The following is an entry in ClinVar:

ClinVar aggregate classification (germline): Uncertain significance (1 of 4 stars; one submission).

Conditions:
PMM2-congenital disorder of glycosylation. Also called: CDG Ia; JAEKEN SYNDROME; PMM2-CDG; PHOSPHOMANNOMUTASE 2 DEFICIENCY; CARBOHYDRATE-DEFICIENT GLYCOPROTEIN SYNDROME, TYPE Ia; Congenital disorder of glycosylation, type Ia. Identifiers: Orphanet 79318, MedGen C0349653, MONDO:0008907, OMIM 212065.

Allele frequency attached by ClinVar (database versions not stated): gnomAD exomes below 0.00001.
gnomAD v4.1: 3 of 1,612,004 alleles (0.00019%); highest among the groups gnomAD compares: Non-Finnish European, 0.00025%; no homozygotes.

Submission:

Labcorp Genetics (formerly Invitae), Labcorp
Classification: Uncertain significance for PMM2-congenital disorder of glycosylation. Last evaluated: 2023-12-11. Review status: criteria provided, single submitter. Criteria: Invitae Variant Classification Sherloc (09022015). Collection method: clinical testing. Allele origin: germline.
Comment: This sequence change replaces glycine, which is neutral and non-polar, with valine, which is neutral and non-polar, at codon 200 of the PMM2 protein (p.Gly200Val). This variant is not present in population databases (gnomAD no frequency). This variant has not been reported in the literature in individuals affected with PMM2-related conditions. Advanced modeling of protein sequence and biophysical properties (such as structural, functional, and spatial information, amino acid conservation, physicochemical variation, residue mobility, and thermodynamic stability) performed at Invitae indicates that this missense variant is expected to disrupt PMM2 protein function with a positive predictive value of 95%. In summary, the available evidence is currently insufficient to determine the role of this variant in disease. Therefore, it has been classified as a Variant of Uncertain Significance.

NM_000303.3(PMM2):c.599G>T (p.Gly200Val)

Gene: PMM2 (phosphomannomutase 2; plus strand). Cytogenetic location: 16p13.2.
Variant type: single nucleotide variant.
Coding change: c.599G>T on transcript NM_000303.3 (MANE Select); coding-DNA position 599, G replaced by T.
Protein change: p.Gly200Val; replaces glycine 200 with valine.
Molecular consequence: missense variant.
Genome position (GRCh38, 1-based): chr16:8,813,066, G>T. VCF-style: chr16-8813066-G-T. GRCh37 (hg19) VCF-style: chr16-8906923-G-T.
Other names: short protein forms G200V.
Identifiers: ClinVar variation 3016494 (VCV003016494.3), dbSNP rs2549147972, ClinGen allele CA394697958.